The following is an entry in ClinVar:

NM_134261.3(RORA):c.750A>G (p.Ala250=)

Genes: RORA (RAR related orphan receptor A; minus strand), RORA-AS1 (RORA antisense RNA 1; plus strand). Cytogenetic location: 15q22.2.
Variant type: single nucleotide variant.
Coding change: c.750A>G on transcript NM_134261.3 (MANE Select); coding-DNA position 750, A replaced by G.
Protein change: p.Ala250=; no amino-acid change (alanine 250 retained).
Molecular consequence: synonymous variant.
Genome position (GRCh38, 1-based): chr15:60,511,296, T>C on the plus strand (A>G on the coding strand, the complement: RORA is on the minus strand). VCF-style: chr15-60511296-T-C. GRCh37 (hg19) VCF-style: chr15-60803495-T-C.
Other names: c.825A>G, p.Ala275= (NM_002943.4); c.849A>G, p.Ala283= (NM_134260.3); c.585A>G, p.Ala195= (NM_134262.3).
Identifiers: ClinVar variation 2645389 (VCV002645389.25), dbSNP rs767770734, ClinGen allele CA7593654.

ClinVar aggregate classification (germline): Likely benign. Review status: criteria provided, multiple submitters, no conflicts (2 of 4 stars). 2 submissions from 2 submitters: Likely benign (2). Last evaluated 2023-10-03.

Allele frequency attached by ClinVar (database versions not stated): TOPMed below 0.00001; ExAC 0.00001; gnomAD 0.00001; gnomAD exomes 0.00001.
gnomAD v4.1: 12 of 1,614,066 alleles (0.00074%); highest among the groups gnomAD compares: Non-Finnish European, 0.001%; no homozygotes.

Submissions (2):

Blueprint Genetics
Classification: Likely benign. Last evaluated: 2023-10-03. Review status: criteria provided, single submitter. Criteria: ACMG Guidelines, 2015. Collection method: clinical testing. Allele origin: germline.

CeGaT Center for Human Genetics Tuebingen
Classification: Likely benign. Last evaluated: 2022-05-01. Review status: criteria provided, single submitter. Criteria: CeGaT Center For Human Genetics Tuebingen Variant Classification Criteria Version 2. Collection method: clinical testing. Allele origin: germline. Affected: yes. Observed: 1 variant allele.
Comment: RORA: BP4, BP7